The following is an entry in ClinVar:

ClinVar aggregate classification (germline): Uncertain significance (1 of 4 stars; one submission).

gnomAD v4.1: 10 of 1,613,946 alleles (0.00062%); highest among the groups gnomAD compares: Non-Finnish European, 0.00076%; no homozygotes.

Submission:

Labcorp Genetics (formerly Invitae), Labcorp
Classification: Uncertain significance. Last evaluated: 2024-04-03. Review status: criteria provided, single submitter. Criteria: Invitae Variant Classification Sherloc (09022015). Collection method: clinical testing. Allele origin: germline.
Comment: This sequence change replaces isoleucine, which is neutral and non-polar, with valine, which is neutral and non-polar, at codon 277 of the LBR protein (p.Ile277Val). This variant is present in population databases (rs369086850, gnomAD 0.0009%). This variant has not been reported in the literature in individuals affected with LBR-related conditions. Advanced modeling of protein sequence and biophysical properties (such as structural, functional, and spatial information, amino acid conservation, physicochemical variation, residue mobility, and thermodynamic stability) performed at Invitae indicates that this missense variant is not expected to disrupt LBR protein function with a negative predictive value of 80%. In summary, the available evidence is currently insufficient to determine the role of this variant in disease. Therefore, it has been classified as a Variant of Uncertain Significance.

NM_002296.4(LBR):c.829A>G (p.Ile277Val)

Gene: LBR (lamin B receptor; minus strand). Cytogenetic location: 1q42.12.
Variant type: single nucleotide variant.
Coding change: c.829A>G on transcript NM_002296.4 (MANE Select); coding-DNA position 829, A replaced by G.
Protein change: p.Ile277Val; replaces isoleucine 277 with valine.
Molecular consequence: missense variant.
Genome position (GRCh38, 1-based): chr1:225,417,992, T>C on the plus strand (A>G on the coding strand, the complement: LBR is on the minus strand). VCF-style: chr1-225417992-T-C. GRCh37 (hg19) VCF-style: chr1-225605694-T-C.
Other names: c.829A>G, p.Ile277Val (NM_194442.3); short protein forms I277V.
Identifiers: ClinVar variation 3730831 (VCV003730831.2).
Genomic context (GRCh38, chr1:225,417,992, plus strand): 5'-ATATAGTGAGACCTCATCTTATTAAAACAAAACAGAATTACCATAAACGTACCTTTCCAA[T>C]TGGCAGTAGGTAGAACAGGACTTGAATCAAAAACCACAGGAGGTAGACCCCAAATACTCT-3'
Protein context (NP_002287.2, residues 267-287): LIQVLFYLLP[Ile277Val]GKVVEGTPLI